The following is an entry in ClinVar:

ClinVar aggregate classification (germline): Uncertain significance (1 of 4 stars; one submission).

Conditions:
Propionic acidemia (PROP). Also called: GLYCINEMIA, KETOTIC; HYPERGLYCINEMIA WITH KETOACIDOSIS AND LEUKOPENIA; KETOTIC HYPERGLYCINEMIA. Identifiers: Orphanet 35, MedGen C0268579, MONDO:0011628, OMIM 606054, HP:0003571.

Allele frequency attached by ClinVar (database versions not stated): gnomAD exomes below 0.00001.
gnomAD v4.1: 3 of 1,599,316 alleles (0.00019%); highest among the groups gnomAD compares: Non-Finnish European, 0.00026%; no homozygotes.

Submission:

Labcorp Genetics (formerly Invitae), Labcorp
Classification: Uncertain significance for Propionic acidemia. Last evaluated: 2024-07-11. Review status: criteria provided, single submitter. Criteria: Invitae Variant Classification Sherloc (09022015). Collection method: clinical testing. Allele origin: germline.
Comment: This sequence change replaces glutamic acid, which is acidic and polar, with aspartic acid, which is acidic and polar, at codon 211 of the PCCA protein (p.Glu211Asp). This variant is not present in population databases (gnomAD no frequency). This variant has not been reported in the literature in individuals affected with PCCA-related conditions. ClinVar contains an entry for this variant (Variation ID: 2147767). Advanced modeling of protein sequence and biophysical properties (such as structural, functional, and spatial information, amino acid conservation, physicochemical variation, residue mobility, and thermodynamic stability) has been performed at Invitae for this missense variant, however the output from this modeling did not meet the statistical confidence thresholds required to predict the impact of this variant on PCCA protein function. In summary, the available evidence is currently insufficient to determine the role of this variant in disease. Therefore, it has been classified as a Variant of Uncertain Significance.

NM_000282.4(PCCA):c.633A>T (p.Glu211Asp)

Gene: PCCA (propionyl-CoA carboxylase subunit alpha; plus strand). Cytogenetic location: 13q32.3.
Variant type: single nucleotide variant.
Coding change: c.633A>T on transcript NM_000282.4 (MANE Select); coding-DNA position 633, A replaced by T.
Protein change: p.Glu211Asp; replaces glutamic acid 211 with aspartic acid.
Molecular consequence: missense variant. On other transcripts: 5 prime UTR variant (3), non-coding transcript variant (5).
Genome position (GRCh38, 1-based): chr13:100,235,874, A>T. VCF-style: chr13-100235874-A-T. GRCh37 (hg19) VCF-style: chr13-100888128-A-T.
Other names: c.555A>T, p.Glu185Asp (NM_001127692.3, NM_001352607.2, NM_001352608.2); c.633A>T, p.Glu211Asp (NM_001178004.2, NM_001352605.2, NM_001352606.2 and 1 more transcripts); c.-234A>T (NM_001352610.2, NM_001352611.2, NM_001352612.2); short protein forms E185D, E211D.
Identifiers: ClinVar variation 2147767 (VCV002147767.3), dbSNP rs2547832788, ClinGen allele CA388694008.